The following is an entry in ClinVar:

NM_019098.5(CNGB3):c.353del (p.Pro118fs)

Gene: CNGB3 (cyclic nucleotide gated channel subunit beta 3; minus strand). Cytogenetic location: 8q21.3.
Variant type: Deletion.
Coding change: c.353del on transcript NM_019098.5 (MANE Select); coding-DNA position 353, one base deleted (C; older notation c.353delC).
Protein change: p.Pro118fs; shifts the reading frame from proline 118.
Molecular consequence: frameshift variant.
Genome position (GRCh38, 1-based): chr8:86,671,084, G deleted on the plus strand (C on the coding strand, the reverse complement: CNGB3 is on the minus strand); the first of 2 consecutive G bases (chr8:86,671,084-86,671,085); deleting either gives the same sequence. VCF-style (leftmost placement, unchanged base first): chr8-86671083-CG-C. GRCh37 (hg19) VCF-style: chr8-87683311-CG-C.
Other names: short protein forms P118fs.
Identifiers: ClinVar variation 2187026 (VCV002187026.4), dbSNP rs754804590, ClinGen allele CA4800416.

ClinVar aggregate classification (germline): Pathogenic (1 of 4 stars; one submission).

Submission:

Labcorp Genetics (formerly Invitae), Labcorp
Classification: Pathogenic. Last evaluated: 2022-05-03. Review status: criteria provided, single submitter. Criteria: Invitae Variant Classification Sherloc (09022015). Collection method: clinical testing. Allele origin: germline.
Comment: For these reasons, this variant has been classified as Pathogenic. This variant has not been reported in the literature in individuals affected with CNGB3-related conditions. This variant is present in population databases (rs754804590, gnomAD 0.003%). This sequence change creates a premature translational stop signal (p.Pro118Argfs*7) in the CNGB3 gene. It is expected to result in an absent or disrupted protein product. Loss-of-function variants in CNGB3 are known to be pathogenic (PMID: 28795510).

Literature cited by the submitters: PubMed 28795510.